The following is an entry in ClinVar:

ClinVar aggregate classification (germline): Uncertain significance (1 of 4 stars; one submission).

Conditions:
Hereditary spastic paraplegia 11. Also called: Nakamura Osame syndrome; Autosomal recessive hereditary spastic paraplegia, mental impairment, and thin corpus callosum; SPASTIC PARAPLEGIA, AUTOSOMAL RECESSIVE, COMPLICATED, WITH THIN CORPUS CALLOSUM; SPASTIC PARAPLEGIA, AUTOSOMAL RECESSIVE, WITH MENTAL IMPAIRMENT AND THIN CORPUS CALLOSUM; Spastic Paraplegia 11; Spastic paraplegia, mental retardation and thin corpus callosum. Identifiers: Orphanet 2822, MedGen C1858479, MONDO:0011445, OMIM 604360.

Submission:

Labcorp Genetics (formerly Invitae), Labcorp
Classification: Uncertain significance for Hereditary spastic paraplegia 11. Last evaluated: 2024-05-20. Review status: criteria provided, single submitter. Criteria: Invitae Variant Classification Sherloc (09022015). Collection method: clinical testing. Allele origin: germline.
Comment: This sequence change replaces leucine, which is neutral and non-polar, with valine, which is neutral and non-polar, at codon 1108 of the SPG11 protein (p.Leu1108Val). This variant is not present in population databases (gnomAD no frequency). This variant has not been reported in the literature in individuals affected with SPG11-related conditions. ClinVar contains an entry for this variant (Variation ID: 2162465). Advanced modeling of protein sequence and biophysical properties (such as structural, functional, and spatial information, amino acid conservation, physicochemical variation, residue mobility, and thermodynamic stability) performed at Invitae indicates that this missense variant is not expected to disrupt SPG11 protein function with a negative predictive value of 80%. In summary, the available evidence is currently insufficient to determine the role of this variant in disease. Therefore, it has been classified as a Variant of Uncertain Significance.

NM_025137.4(SPG11):c.3322T>G (p.Leu1108Val)

Gene: SPG11 (SPG11 vesicle trafficking associated, spatacsin; minus strand). Cytogenetic location: 15q21.1.
Variant type: single nucleotide variant.
Coding change: c.3322T>G on transcript NM_025137.4 (MANE Select); coding-DNA position 3322, T replaced by G.
Protein change: p.Leu1108Val; replaces leucine 1108 with valine.
Molecular consequence: missense variant.
Genome position (GRCh38, 1-based): chr15:44,608,575, A>C on the plus strand (T>G on the coding strand, the complement: SPG11 is on the minus strand). VCF-style: chr15-44608575-A-C. GRCh37 (hg19) VCF-style: chr15-44900773-A-C.
Other names: c.3322T>G, p.Leu1108Val (NM_001160227.2, NM_001411132.1); short protein forms L1108V.
Identifiers: ClinVar variation 2162465 (VCV002162465.4), dbSNP rs1427888939, ClinGen allele CA392225055.